The following is an entry in ClinVar:

NM_001042492.3(NF1):c.8314A>C (p.Ile2772Leu)

Gene: NF1 (neurofibromin 1; plus strand). Cytogenetic location: 17q11.2.
Variant type: single nucleotide variant.
Coding change: c.8314A>C on transcript NM_001042492.3 (MANE Select); coding-DNA position 8314, A replaced by C.
Protein change: p.Ile2772Leu; replaces isoleucine 2772 with leucine.
Molecular consequence: missense variant.
Genome position (GRCh38, 1-based): chr17:31,360,640, A>C. VCF-style: chr17-31360640-A-C. GRCh37 (hg19) VCF-style: chr17-29687658-A-C.
Other names: c.8251A>C, p.Ile2751Leu (NM_000267.4); short protein forms I2772L, I2751L.
Identifiers: ClinVar variation 3404924 (VCV003404924.1).

ClinVar aggregate classification (germline): Uncertain significance (1 of 4 stars; one submission).

Conditions:
Hereditary cancer-predisposing syndrome. Also called: Hereditary Cancer Syndrome; Tumor predisposition; Hereditary neoplastic syndrome; Neoplastic Syndromes, Hereditary. Identifiers: Orphanet 140162, MedGen C0027672, MeSH D009386, MONDO:0015356.
Cardiovascular phenotype. Identifiers: MedGen CN230736.

Submission:

Ambry Genetics
Classification: Uncertain significance for Cardiovascular phenotype; Hereditary cancer-predisposing syndrome. Last evaluated: 2024-11-16. Review status: criteria provided, single submitter. Criteria: Ambry Variant Classification Scheme 2023. Collection method: clinical testing. Allele origin: germline.
Comment: The p.I2751L variant (also known as c.8251A>C), located in coding exon 56 of the NF1 gene, results from an A to C substitution at nucleotide position 8251. The isoleucine at codon 2751 is replaced by leucine, an amino acid with highly similar properties. This amino acid position is conserved. In addition, this alteration is predicted to be tolerated by in silico analysis. Based on the available evidence, the clinical significance of this variant remains unclear.